The following is an entry in ClinVar:

NM_017514.5(PLXNA3):c.1073G>A (p.Arg358His)

Gene: PLXNA3 (plexin A3; plus strand). Cytogenetic location: Xq28.
Variant type: single nucleotide variant.
Coding change: c.1073G>A on transcript NM_017514.5 (MANE Select); coding-DNA position 1073, G replaced by A.
Protein change: p.Arg358His; replaces arginine 358 with histidine.
Molecular consequence: missense variant.
Genome position (GRCh38, 1-based): chrX:154,461,577, G>A. VCF-style: chrX-154461577-G-A. GRCh37 (hg19) VCF-style: chrX-153689917-G-A.
Other names: short protein forms R358H.
Identifiers: ClinVar variation 3354667 (VCV003354667.2).
Genomic context (GRCh38, chrX:154,461,577, plus strand): 5'-GCCTCTTCACCCTCAGCAACATCAATGCCCACATCCGGCGCCGCATCCAGTCCTGCTATC[G>A]TGGGGAGGGCACTCTGGCTCTGCCCTGGCTGCTGAACAAGGAGCTGCCCTGCATCAACAC-3'
Protein context (NP_059984.3, residues 348-368): HIRRRIQSCY[Arg358His]GEGTLALPWL

ClinVar aggregate classification (germline): Uncertain significance (1 of 4 stars; one submission).

Conditions:
PLXNA3-related disorder. Also called: PLXNA3-related condition.

gnomAD v4.1: 22 of 1,206,683 alleles (0.0018%); highest among the groups gnomAD compares: Admixed American, 0.0043%; no homozygotes.

Submission:

PreventionGenetics, part of Exact Sciences
Classification: Uncertain significance for PLXNA3-related condition. Last evaluated: 2025-02-06. Review status: criteria provided, single submitter. Criteria: ACMG Guidelines, 2015. Collection method: clinical testing. Allele origin: germline.
Comment: The PLXNA3 c.1073G>A variant is predicted to result in the amino acid substitution p.Arg358His. To our knowledge, this variant has not been reported in the literature. This variant is reported in 0.0073% of alleles in individuals of East Asian descent in gnomAD. Although we suspect that this variant may be benign, at this time, the clinical significance of this variant is uncertain due to the absence of conclusive functional and genetic evidence.